The following is an entry in ClinVar:

ClinVar aggregate classification (germline): Pathogenic (1 of 4 stars; one submission).

Conditions:
Severe combined immunodeficiency due to DCLRE1C deficiency (RS-SCID). Also called: SCID, AUTOSOMAL RECESSIVE, T CELL-NEGATIVE, B CELL-NEGATIVE, NK CELL-POSITIVE, WITH SENSITIVITY TO IONIZING RADIATION. Identifiers: Orphanet 275, MedGen C1865371, MONDO:0011225, OMIM 602450.

Submission:

Labcorp Genetics (formerly Invitae), Labcorp
Classification: Pathogenic for Severe combined immunodeficiency with sensitivity to ionizing radiation. Last evaluated: 2018-11-09. Review status: criteria provided, single submitter. Criteria: Invitae Variant Classification Sherloc (09022015). Collection method: clinical testing. Allele origin: germline.
Comment: This variant is an out-of-frame deletion of the genomic region encompassing exon 3 of the DCLRE1C gene. This is expected to create a premature translational stop signal and result in an absent or disrupted protein product. Deletions of exon 3 have been reported in the homozygous state and in combination with another DCLRE1C variant in several individuals affected with severe combined immune deficiency with sensitivity to ionizing radiation (PMID: 12592555). Loss-of-function variants in DCLRE1C are known to be pathogenic (PMID: 21664875, 26123418). For these reasons, this variant has been classified as Pathogenic.

Literature cited by the submitters: PubMed 12592555.

NC_000010.11:g.(?_14945085)_(14945209_?)del

Gene: DCLRE1C (DNA cross-link repair 1C; minus strand). Cytogenetic location: 10p13.
Variant type: Deletion.
Identifiers: ClinVar variation 584297 (VCV000584297.2).